The following is an entry in ClinVar:

NM_018480.7(TMEM126B):c.373T>C (p.Phe125Leu)

Gene: TMEM126B (transmembrane protein 126B; plus strand). Cytogenetic location: 11q14.1.
Variant type: single nucleotide variant.
Coding change: c.373T>C on transcript NM_018480.7 (MANE Select); coding-DNA position 373, T replaced by C.
Protein change: p.Phe125Leu; replaces phenylalanine 125 with leucine.
Molecular consequence: missense variant. On other transcripts: intron variant (1).
Genome position (GRCh38, 1-based): chr11:85,634,255, T>C. VCF-style: chr11-85634255-T-C. GRCh37 (hg19) VCF-style: chr11-85345299-T-C.
Other names: c.313T>C, p.Phe105Leu (NM_001193537.3, NM_001350395.2); c.283T>C, p.Phe95Leu (NM_001193538.3, NM_001256546.2, NM_001350396.2); c.235T>C, p.Phe79Leu (NM_001256547.2); c.373T>C, p.Phe125Leu (NM_001350394.2); c.172+79T>C (NM_001350393.1); short protein forms F79L, F95L, F125L, F105L.
Identifiers: ClinVar variation 2720809 (VCV002720809.3), dbSNP rs2547845496, ClinGen allele CA381990899.
Genomic context (GRCh38, chr11:85,634,255, plus strand): 5'-AAGACATATGCATCATTGGCTACACTTCCATTTTTGTCTACTGTTGTTACTGACAAGCTT[T>C]TTGTAATTGATGCTTTGTATTCAGGTGAATTTAAATTCACTAATGTATAACGTAGTTATG-3'
Protein context (NP_060950.3, residues 115-135): FLSTVVTDKL[Phe125Leu]VIDALYSDNI

ClinVar aggregate classification (germline): Uncertain significance (1 of 4 stars; one submission).

Allele frequency attached by ClinVar (database versions not stated): gnomAD exomes below 0.00001.
gnomAD v4.1: 1 of 1,613,442 alleles (0.000062%); highest among the groups gnomAD compares: Middle Eastern, 0.017%; no homozygotes.

Submission:

Labcorp Genetics (formerly Invitae), Labcorp
Classification: Uncertain significance. Last evaluated: 2023-09-09. Review status: criteria provided, single submitter. Criteria: Invitae Variant Classification Sherloc (09022015). Collection method: clinical testing. Allele origin: germline.
Comment: In summary, the available evidence is currently insufficient to determine the role of this variant in disease. Therefore, it has been classified as a Variant of Uncertain Significance. Algorithms developed to predict the effect of sequence changes on RNA splicing suggest that this variant may disrupt the consensus splice site. Algorithms developed to predict the effect of missense changes on protein structure and function output the following: SIFT: "Not Available"; PolyPhen-2: "Benign"; Align-GVGD: "Not Available". The leucine amino acid residue is found in multiple mammalian species, which suggests that this missense change does not adversely affect protein function. This variant has not been reported in the literature in individuals affected with TMEM126B-related conditions. This variant is not present in population databases (gnomAD no frequency). This sequence change replaces phenylalanine, which is neutral and non-polar, with leucine, which is neutral and non-polar, at codon 125 of the TMEM126B protein (p.Phe125Leu).